The following is an entry in ClinVar:

NM_001060.6(TBXA2R):c.680A>C (p.His227Pro)

Gene: TBXA2R (thromboxane A2 receptor; minus strand). Cytogenetic location: 19p13.3.
Variant type: single nucleotide variant.
Coding change: c.680A>C on transcript NM_001060.6 (MANE Select); coding-DNA position 680, A replaced by C.
Protein change: p.His227Pro; replaces histidine 227 with proline.
Molecular consequence: missense variant.
Genome position (GRCh38, 1-based): chr19:3,599,955, T>G on the plus strand (A>C on the coding strand, the complement: TBXA2R is on the minus strand). VCF-style: chr19-3599955-T-G. GRCh37 (hg19) VCF-style: chr19-3599953-T-G.
Other names: c.680A>C, p.His227Pro (NM_201636.3); short protein forms H227P.
Identifiers: ClinVar variation 3684284 (VCV003684284.2).

ClinVar aggregate classification (germline): Uncertain significance (1 of 4 stars; one submission).

Submission:

Labcorp Genetics (formerly Invitae), Labcorp
Classification: Uncertain significance. Last evaluated: 2024-09-05. Review status: criteria provided, single submitter. Criteria: Invitae Variant Classification Sherloc (09022015). Collection method: clinical testing. Allele origin: germline.
Comment: This sequence change replaces histidine, which is basic and polar, with proline, which is neutral and non-polar, at codon 227 of the TBXA2R protein (p.His227Pro). This variant is not present in population databases (gnomAD no frequency). This variant has not been reported in the literature in individuals affected with TBXA2R-related conditions. Invitae Evidence Modeling of protein sequence and biophysical properties (such as structural, functional, and spatial information, amino acid conservation, physicochemical variation, residue mobility, and thermodynamic stability) indicates that this missense variant is not expected to disrupt TBXA2R protein function with a negative predictive value of 80%. In summary, the available evidence is currently insufficient to determine the role of this variant in disease. Therefore, it has been classified as a Variant of Uncertain Significance.